The following is an entry in ClinVar:

NM_000052.7(ATP7A):c.3055G>A (p.Gly1019Ser)

Gene: ATP7A (ATPase copper transporting alpha; plus strand). Cytogenetic location: Xq21.1.
Variant type: single nucleotide variant.
Coding change: c.3055G>A on transcript NM_000052.7 (MANE Select); coding-DNA position 3055, G replaced by A.
Protein change: p.Gly1019Ser; replaces glycine 1019 with serine.
Molecular consequence: missense variant.
Genome position (GRCh38, 1-based): chrX:78,029,388, G>A. VCF-style: chrX-78029388-G-A. GRCh37 (hg19) VCF-style: chrX-77284885-G-A.
Other names: c.2821G>A, p.Gly941Ser (NM_001282224.2); short protein forms G1019S, G941S.
Identifiers: ClinVar variation 1003273 (VCV001003273.11), dbSNP rs2077968146, ClinGen allele CA413603286.
Genomic context (GRCh38, chrX:78,029,388, plus strand): 5'-GCATGTCCCTGTTCACTGGGACTGGCCACTCCAACTGCTGTGATGGTGGGTACAGGAGTA[G>A]GTGCTCAAAATGGCATACTAATAAAAGGTGGAGAGCCATTGGAGATGGCTCATAAGGTAA-3'
Protein context (NP_000043.4, residues 1009-1029): PTAVMVGTGV[Gly1019Ser]AQNGILIKGG

ClinVar aggregate classification (germline): Uncertain significance. Review status: criteria provided, single submitter (1 of 4 stars). 2 submissions from 2 submitters: Uncertain significance (1). 1 of the submissions does not count toward it. Last evaluated 2024-04-23.

Conditions:
X-linked distal spinal muscular atrophy type 3. Also called: SPINAL MUSCULAR ATROPHY, DISTAL, X-LINKED RECESSIVE; NEURONOPATHY, DISTAL HEREDITARY MOTOR, X-LINKED; NEUROPATHY, DISTAL HEREDITARY MOTOR, X-LINKED; ATP7A-Related Distal Motor Neuropathy. Identifiers: Orphanet 139557, MedGen C1845359, MONDO:0010338, OMIM 300489.
Menkes kinky-hair syndrome (MNK). Also called: Classic Menkes Disease; Menkes Disease; Copper transport disease. Identifiers: Orphanet 565, MedGen C0022716, MONDO:0010651, OMIM 309400.
Cutis laxa, X-linked (OHS). Also called: EDS IX; Occipital horn syndrome. Identifiers: Orphanet 198, MedGen C0268353, MONDO:0010572, OMIM 304150.

Submissions (2):

Labcorp Genetics (formerly Invitae), Labcorp
Classification: Uncertain significance for X-linked distal spinal muscular atrophy type 3; Cutis laxa, X-linked; Menkes kinky-hair syndrome. Last evaluated: 2024-04-23. Review status: criteria provided, single submitter. Criteria: Invitae Variant Classification Sherloc (09022015). Collection method: clinical testing. Allele origin: germline.
Comment: This sequence change replaces glycine, which is neutral and non-polar, with serine, which is neutral and polar, at codon 1019 of the ATP7A protein (p.Gly1019Ser). This variant is not present in population databases (gnomAD no frequency). This variant has not been reported in the literature in individuals affected with ATP7A-related conditions. ClinVar contains an entry for this variant (Variation ID: 1003273). Advanced modeling of protein sequence and biophysical properties (such as structural, functional, and spatial information, amino acid conservation, physicochemical variation, residue mobility, and thermodynamic stability) performed at Invitae indicates that this missense variant is not expected to disrupt ATP7A protein function with a negative predictive value of 95%. In summary, the available evidence is currently insufficient to determine the role of this variant in disease. Therefore, it has been classified as a Variant of Uncertain Significance.

Natera, Inc.
Classification: Uncertain significance for Menkes kinky hair syndrome. Last evaluated: 2020-10-23. Review status: no assertion criteria provided. Collection method: clinical testing. Allele origin: germline. Not counted in ClinVar's aggregate classification.